The following is an entry in ClinVar:

ClinVar aggregate classification (germline): Likely benign. Review status: criteria provided, multiple submitters, no conflicts (2 of 4 stars). 3 submissions from 3 submitters: Likely benign (3). Last evaluated 2025-07-18.

Conditions:
Inborn genetic diseases. Identifiers: MedGen C0950123, MeSH D030342.
Wilms tumor 1 (WT1). Also called: Wilms tumor, somatic. Identifiers: Orphanet 654, MedGen CN033288, MONDO:0008679, OMIM 194070.
Frasier syndrome. Identifiers: Orphanet 347, MedGen C0950122, MeSH D052159, MONDO:0007635, OMIM 136680.
11p partial monosomy syndrome (WAGR). Also called: WAGR syndrome; WAGR Complex; CHROMOSOME 11p13 DELETION SYNDROME; WAGR Spectrum Disorder. Identifiers: Orphanet 893, MedGen C0206115, MONDO:0008681, OMIM 194072.
Drash syndrome (DDS). Also called: WILMS TUMOR AND PSEUDO- OR TRUE HERMAPHRODITISM; NEPHROPATHY, WILMS TUMOR, AND GENITAL ANOMALIES. Identifiers: Orphanet 220, MedGen C0950121, MONDO:0008682, OMIM 194080.

Allele frequency attached by ClinVar (database versions not stated): gnomAD exomes 0.00001.
gnomAD v4.1: 7 of 1,464,950 alleles (0.00048%); highest among the groups gnomAD compares: Non-Finnish European, 0.00063%; no homozygotes.

Submissions (3):

Labcorp Genetics (formerly Invitae), Labcorp
Classification: Likely benign for Wilms tumor 1; Drash syndrome; 11p partial monosomy syndrome; Frasier syndrome. Last evaluated: 2025-07-18. Review status: criteria provided, single submitter. Criteria: Invitae Variant Classification Sherloc (09022015). Collection method: clinical testing. Allele origin: germline.

Ambry Genetics
Classification: Likely benign for Inborn genetic diseases. Last evaluated: 2024-12-29. Review status: criteria provided, single submitter. Criteria: Ambry Variant Classification Scheme 2023. Collection method: clinical testing. Allele origin: germline.

All of Us Research Program, National Institutes of Health
Classification: Likely benign for Wilms tumor 1. Last evaluated: 2023-06-08. Review status: criteria provided, single submitter. Criteria: ACMG Guidelines, 2015. Collection method: clinical testing. Allele origin: germline. Inheritance: Autosomal dominant inheritance. Observed: 1 variant allele, 1 heterozygote.
Comment: This study involves interpretation of variants in research participants for the purpose of population health screening. Participant phenotype was not available at the time of variant classification. Additional details can be found in publication PMID: 35346344, PMCID: PMC8962531

NM_024426.6(WT1):c.312G>A (p.Ala104=)

Genes: WT1 (WT1 transcription factor; minus strand), LOC107982234 (WT1/WT1-AS bi-directional promoter region; plus strand). Cytogenetic location: 11p13.
Variant type: single nucleotide variant.
Coding change: c.312G>A on transcript NM_024426.6 (MANE Select); coding-DNA position 312, G replaced by A.
Protein change: p.Ala104=; no amino-acid change (alanine 104 retained).
Molecular consequence: synonymous variant. On other transcripts: non-coding transcript variant (1).
Genome position (GRCh38, 1-based): chr11:32,435,049, C>T on the plus strand (G>A on the coding strand, the complement: WT1 is on the minus strand). VCF-style: chr11-32435049-C-T. GRCh37 (hg19) VCF-style: chr11-32456595-C-T.
Other names: c.312G>A, p.Ala104= (NM_000378.6, NM_024424.5).
Identifiers: ClinVar variation 759049 (VCV000759049.13), dbSNP rs1590410376, ClinGen allele CA473773879.